The following is an entry in ClinVar:

ClinVar aggregate classification (germline): Likely pathogenic (1 of 4 stars; one submission).

Conditions:
Abetalipoproteinaemia (ABL). Also called: MTP DEFICIENCY; Abetalipoproteinemia; Abetalipoproteinemia neuropathy; Apolipoprotein B deficiency; Congenital betalipoprotein deficiency syndrome. Identifiers: Orphanet 14, MedGen C0000744, MONDO:0008692, OMIM 200100, HP:0008181.

Submission:

Myriad Genetics, Inc.
Classification: Likely pathogenic for Abetalipoproteinaemia. Last evaluated: 2021-12-31. Review status: criteria provided, single submitter. Criteria: Myriad Women's Health Autosomal Recessive and X-Linked Classification Criteria (2021). Collection method: clinical testing. Allele origin: unknown.
Comment: NM_000253.2(MTTP):c.2299_2300delTTinsA(F767Ifs*12) is expected to be pathogenic in the context of abetalipoproteinemia. This variant is predicted to lead to an abnormal or absent protein product due to the creation of a premature termination codon in MTTP, a gene where loss-of-function variants are known to be pathogenic. Please note: this variant was assessed in the context of healthy population screening.

NM_001386140.1(MTTP):c.2299_2300delinsA (p.Phe767fs)

Gene: MTTP (microsomal triglyceride transfer protein; plus strand). Cytogenetic location: 4q23.
Variant type: Indel.
Coding change: c.2299_2300delinsA on transcript NM_001386140.1 (MANE Select); coding-DNA positions 2299 to 2300, TT replaced by A.
Protein change: p.Phe767fs; shifts the reading frame from phenylalanine 767.
Molecular consequence: frameshift variant.
Genome position (GRCh38, 1-based): chr4:99,619,055-99,619,056, TT replaced by A. VCF-style: chr4-99619055-TT-A. GRCh37 (hg19) VCF-style: chr4-100540212-TT-A.
Other names: c.2299_2300delinsA, p.Phe767fs (NM_000253.4); c.2050_2051delinsA, p.Phe684fs (NM_001300785.2); short protein forms F684fs, F767fs.
Identifiers: ClinVar variation 1726729 (VCV001726729.2), dbSNP rs2476158333, ClinGen allele CA2580071927.